The following is an entry in ClinVar:

NM_017763.6(RNF43):c.2346T>C (p.Ala782=)

Gene: RNF43 (ring finger protein 43; minus strand). Cytogenetic location: 17q22.
Variant type: single nucleotide variant.
Coding change: c.2346T>C on transcript NM_017763.6 (MANE Select); coding-DNA position 2346, T replaced by C.
Protein change: p.Ala782=; no amino-acid change (alanine 782 retained).
Molecular consequence: synonymous variant.
Genome position (GRCh38, 1-based): chr17:58,354,949, A>G on the plus strand (T>C on the coding strand, the complement: RNF43 is on the minus strand). VCF-style: chr17-58354949-A-G. GRCh37 (hg19) VCF-style: chr17-56432310-A-G.
Other names: c.2346T>C, p.Ala782= (NM_001305544.3); c.1965T>C, p.Ala655= (NM_001305545.2).
Identifiers: ClinVar variation 1108027 (VCV001108027.11), dbSNP rs2143364741, ClinGen allele CA501059868.

ClinVar aggregate classification (germline): Benign/Likely benign. Review status: criteria provided, multiple submitters, no conflicts (2 of 4 stars). 3 submissions from 3 submitters: Benign (1); Likely benign (2). Last evaluated 2026-07-02.

Conditions:
Sessile serrated polyposis cancer syndrome (SSPCS). Identifiers: Orphanet 157798, MedGen C4310714, MONDO:0014919, OMIM 617108.

Allele frequency attached by ClinVar (database versions not stated): gnomAD exomes 0.00001.
gnomAD v4.1: 3 of 1,614,108 alleles (0.00019%); highest among the groups gnomAD compares: Non-Finnish European, 0.00025%; no homozygotes.

Submissions (3):

Myriad Genetics, Inc.
Classification: Benign for Sessile serrated polyposis cancer syndrome. Last evaluated: 2026-07-02. Review status: criteria provided, single submitter. Criteria: Myriad Autosomal Dominant, Autosomal Recessive and X-Linked Classification Criteria (2023). Collection method: clinical testing. Allele origin: unknown.
Comment: This variant is considered benign. This variant is a silent/synonymous amino acid change and it is not expected to impact splicing.

Ambry Genetics
Classification: Likely benign. Last evaluated: 2025-05-02. Review status: criteria provided, single submitter. Criteria: Ambry Variant Classification Scheme 2023. Collection method: clinical testing. Allele origin: germline.

Labcorp Genetics (formerly Invitae), Labcorp
Classification: Likely benign. Last evaluated: 2020-04-29. Review status: criteria provided, single submitter. Criteria: Invitae Variant Classification Sherloc (09022015). Collection method: clinical testing. Allele origin: germline.